The following is an entry in ClinVar:

NM_138691.3(TMC1):c.453+2T>G

Gene: TMC1 (transmembrane channel like 1; plus strand). Cytogenetic location: 9q21.13.
Variant type: single nucleotide variant.
Coding change: c.453+2T>G on transcript NM_138691.3 (MANE Select); the canonical splice donor site of the intron after coding-DNA position 453, T replaced by G.
Molecular consequence: splice donor variant.
Genome position (GRCh38, 1-based): chr9:72,740,211, T>G. VCF-style: chr9-72740211-T-G. GRCh37 (hg19) VCF-style: chr9-75355127-T-G.
Identifiers: ClinVar variation 3601908 (VCV003601908.1).
Genomic context (GRCh38, chr9:72,740,211, plus strand): 5'-GGGCTCTTGGGAAAGGAAAAGGAAAACGGTGGTTTGCATTTAAGATGATGATGGCCAAGG[T>G]AGGTATTTTTATAGTTGTCTGGTTTATGGCATATTGCCTCTAAGAAGAACACTGGTTCTT-3'

ClinVar aggregate classification (germline): Pathogenic (1 of 4 stars; one submission).

Conditions:
Autosomal recessive nonsyndromic hearing loss 7. Also called: DEAFNESS, AUTOSOMAL RECESSIVE 11. Identifiers: Orphanet 90636, MedGen C1832978, MONDO:0010967, OMIM 600974.

gnomAD v4.1: 1 of 1,612,622 alleles (0.000062%); highest among the groups gnomAD compares: Non-Finnish European, 0.000085%; no homozygotes.

Submission:

Institute of Rare Diseases, West China Hospital, Sichuan University
Classification: Pathogenic for Autosomal recessive nonsyndromic hearing loss 7. Last evaluated: 2025-01-09. Review status: criteria provided, single submitter. Criteria: ClinGen HL ACMG Specifications v1. Collection method: research. Allele origin: germline. Affected: yes.
Comment: PVS1;PM3;PM2_Supporting